The following is an entry in ClinVar:

ClinVar aggregate classification (germline): Uncertain significance (1 of 4 stars; one submission).

Conditions:
Nemaline myopathy 6 (NEM6). Also called: Nemaline myopathy 6, autosomal dominant. Identifiers: Orphanet 171439, MedGen C1836472, MONDO:0012237, OMIM 609273.

gnomAD v4.1: 4 of 1,562,772 alleles (0.00026%); highest among the groups gnomAD compares: Non-Finnish European, 0.00034%; no homozygotes.

Submission:

Labcorp Genetics (formerly Invitae), Labcorp
Classification: Uncertain significance for Nemaline myopathy 6. Last evaluated: 2024-05-29. Review status: criteria provided, single submitter. Criteria: Invitae Variant Classification Sherloc (09022015). Collection method: clinical testing. Allele origin: germline.
Comment: This sequence change replaces glutamine, which is neutral and polar, with arginine, which is basic and polar, at codon 437 of the KBTBD13 protein (p.Gln437Arg). This variant is not present in population databases (gnomAD no frequency). This variant has not been reported in the literature in individuals affected with KBTBD13-related conditions. An algorithm developed to predict the effect of missense changes on protein structure and function (PolyPhen-2) suggests that this variant is likely to be tolerated. In summary, the available evidence is currently insufficient to determine the role of this variant in disease. Therefore, it has been classified as a Variant of Uncertain Significance.

NM_001101362.3(KBTBD13):c.1310A>G (p.Gln437Arg)

Gene: KBTBD13 (kelch repeat and BTB domain containing 13; plus strand). Cytogenetic location: 15q22.31.
Variant type: single nucleotide variant.
Coding change: c.1310A>G on transcript NM_001101362.3 (MANE Select); coding-DNA position 1310, A replaced by G.
Protein change: p.Gln437Arg; replaces glutamine 437 with arginine.
Molecular consequence: missense variant.
Genome position (GRCh38, 1-based): chr15:65,078,125, A>G. VCF-style: chr15-65078125-A-G. GRCh37 (hg19) VCF-style: chr15-65370463-A-G.
Other names: short protein forms Q437R.
Identifiers: ClinVar variation 3644054 (VCV003644054.2).